The following is an entry in ClinVar:

NM_001961.4(EEF2):c.792-31A>G

Gene: EEF2 (eukaryotic translation elongation factor 2; minus strand). Cytogenetic location: 19p13.3.
Variant type: single nucleotide variant.
Coding change: c.792-31A>G on transcript NM_001961.4 (MANE Select); 31 bases into the intron before coding-DNA position 792, A replaced by G.
Molecular consequence: intron variant.
Genome position (GRCh38, 1-based): chr19:3,982,083, T>C on the plus strand (A>G on the coding strand, the complement: EEF2 is on the minus strand). VCF-style: chr19-3982083-T-C. GRCh37 (hg19) VCF-style: chr19-3982081-T-C.
Identifiers: ClinVar variation 1706736 (VCV001706736.2), dbSNP rs141268421, ClinGen allele CA9089175.
Genomic context (GRCh38, chr19:3,982,083, plus strand): 5'-CTGAACTTGCCGTTGGCTGGGTCAAAGTACCTGGCAAGGAGAGGCCAAGCCAAATCAAGT[T>C]AGGGTCTCCAGGGGATGACTTGGGGAGGGTGGTCGCCAAGGGGACATGCTTGGGCAAGAC-3'

ClinVar aggregate classification (germline): Likely benign (1 of 4 stars; one submission).

Allele frequency attached by ClinVar (database versions not stated): gnomAD exomes 0.00063; ExAC 0.00221; 1000 Genomes Project 0.00559; 1000 Genomes Project 30x 0.00593; gnomAD 0.00638; ESP Exome Variant Server 0.00753; TOPMed 0.00761.
gnomAD v4.1: 1,924 of 1,612,320 alleles (0.12%); highest among the groups gnomAD compares: African/African-American, 2.2%; 19 homozygotes.

Submission:

GeneDx
Classification: Likely benign. Last evaluated: 2021-05-21. Review status: criteria provided, single submitter. Criteria: GeneDx Variant Classification Process June 2021. Collection method: clinical testing. Allele origin: germline. Affected: yes.
Comment: See Variant Classification Assertion Criteria.